The following is an entry in ClinVar:

ClinVar aggregate classification (germline): Uncertain significance (1 of 4 stars; one submission).

gnomAD v4.1: 1 of 1,605,114 alleles (0.000062%); highest among the groups gnomAD compares: Non-Finnish European, 0.000085%; no homozygotes.

Submission:

GeneDx
Classification: Uncertain significance. Last evaluated: 2024-05-10. Review status: criteria provided, single submitter. Criteria: GeneDx Variant Classification Process June 2021. Collection method: clinical testing. Allele origin: germline. Affected: yes.
Comment: Not observed at significant frequency in large population cohorts (gnomAD); In silico analysis supports that this missense variant has a deleterious effect on protein structure/function; Has not been previously published as pathogenic or benign to our knowledge

NM_001098511.3(KIF2A):c.797C>T (p.Thr266Ile)

Gene: KIF2A (kinesin family member 2A; plus strand). Cytogenetic location: 5q12.1.
Variant type: single nucleotide variant.
Coding change: c.797C>T on transcript NM_001098511.3 (MANE Select); coding-DNA position 797, C replaced by T.
Protein change: p.Thr266Ile; replaces threonine 266 with isoleucine.
Molecular consequence: missense variant.
Genome position (GRCh38, 1-based): chr5:62,358,224, C>T. VCF-style: chr5-62358224-C-T. GRCh37 (hg19) VCF-style: chr5-61654051-C-T.
Other names: c.716C>T, p.Thr239Ile (NM_001243952.2); c.740C>T, p.Thr247Ile (NM_001243953.2); c.797C>T, p.Thr266Ile (NM_004520.5); short protein forms T239I, T247I, T266I.
Identifiers: ClinVar variation 3375808 (VCV003375808.1).